The following is an entry in ClinVar:

ClinVar aggregate classification (germline): Uncertain significance. Review status: criteria provided, multiple submitters, no conflicts (2 of 4 stars). 2 submissions from 2 submitters: Uncertain significance (2). Last evaluated 2026-09-02.

Conditions:
COL12A1-related disorder. Also called: COL12A1-related condition.
Ullrich congenital muscular dystrophy 2 (UCMD2). Identifiers: Orphanet 75840, MedGen C4225314, MONDO:0014654, OMIM 616470.
Bethlem myopathy 2 (BTHLM2). Identifiers: Orphanet 536516, Orphanet 610, MedGen C4225313, MONDO:0034022, OMIM 616471.

Submissions (2):

PreventionGenetics, part of Exact Sciences
Classification: Uncertain significance for COL12A1-related condition. Last evaluated: 2026-09-02. Review status: criteria provided, single submitter. Criteria: ACMG Guidelines, 2015. Collection method: clinical testing. Allele origin: germline.
Comment: The COL12A1 c.8751T>A variant is predicted to result in the amino acid substitution p.Ser2917Arg. To our knowledge, this variant has not been reported in the literature or in a large population database (gnomAD), indicating this variant is rare. At this time, the clinical significance of this variant is uncertain due to the absence of conclusive functional and genetic evidence.

Labcorp Genetics (formerly Invitae), Labcorp
Classification: Uncertain significance for Bethlem myopathy 2; Ullrich congenital muscular dystrophy 2. Last evaluated: 2023-09-27. Review status: criteria provided, single submitter. Criteria: Invitae Variant Classification Sherloc (09022015). Collection method: clinical testing. Allele origin: germline.
Comment: This variant has not been reported in the literature in individuals affected with COL12A1-related conditions. This sequence change replaces serine, which is neutral and polar, with arginine, which is basic and polar, at codon 2917 of the COL12A1 protein (p.Ser2917Arg). This variant is not present in population databases (gnomAD no frequency). ClinVar contains an entry for this variant (Variation ID: 567961). An algorithm developed to predict the effect of missense changes on protein structure and function (PolyPhen-2) suggests that this variant is likely to be tolerated. In summary, the available evidence is currently insufficient to determine the role of this variant in disease. Therefore, it has been classified as a Variant of Uncertain Significance.

NM_004370.6(COL12A1):c.8751T>A (p.Ser2917Arg)

Gene: COL12A1 (collagen type XII alpha 1 chain; minus strand). Cytogenetic location: 6q13.
Variant type: single nucleotide variant.
Coding change: c.8751T>A on transcript NM_004370.6 (MANE Select); coding-DNA position 8751, T replaced by A.
Protein change: p.Ser2917Arg; replaces serine 2917 with arginine.
Molecular consequence: missense variant.
Genome position (GRCh38, 1-based): chr6:75,091,324, A>T on the plus strand (T>A on the coding strand, the complement: COL12A1 is on the minus strand). VCF-style: chr6-75091324-A-T. GRCh37 (hg19) VCF-style: chr6-75801040-A-T.
Other names: c.5259T>A, p.Ser1753Arg (NM_080645.3); short protein forms S2917R, S1753R.
Identifiers: ClinVar variation 567961 (VCV000567961.10), dbSNP rs1562093184, ClinGen allele CA364735708.
Genomic context (GRCh38, chr6:75,091,324, plus strand): 5'-GCATTTTCCTGCAATTAATTTTAAAACAATTCATACAGTAAAAAGAAAAGAAATTTTACC[A>T]CTTATCAATTGTTCACAGACTTGTCTTGCAACTGCTCGCATCATGTTCTGGGAAGCAATG-3'
Protein context (NP_004361.3, residues 2907-2927): VARQVCEQLI[Ser2917Arg]GQMNRFNQML